The following is an entry in ClinVar:

NM_080680.3(COL11A2):c.1180-11T>G

Gene: COL11A2 (collagen type XI alpha 2 chain; minus strand). Cytogenetic location: 6p21.32.
Variant type: single nucleotide variant.
Coding change: c.1180-11T>G on transcript NM_080680.3 (MANE Select); 11 bases into the intron before coding-DNA position 1180, T replaced by G.
Molecular consequence: intron variant.
Genome position (GRCh38, 1-based): chr6:33,181,016, A>C on the plus strand (T>G on the coding strand, the complement: COL11A2 is on the minus strand). VCF-style: chr6-33181016-A-C. GRCh37 (hg19) VCF-style: chr6-33148793-A-C.
Other names: c.154-11T>G (NM_001424111.1, NM_001424110.1); c.859-11T>G (NM_080679.3); c.922-11T>G (NM_080681.3); c.1000-11T>G (NM_001424108.1); c.334-11T>G (NM_001424109.1).
Identifiers: ClinVar variation 3365540 (VCV003365540.1).

ClinVar aggregate classification (germline): Uncertain significance (1 of 4 stars; one submission).

gnomAD v4.1: 1 of 1,614,060 alleles (0.000062%); highest among the groups gnomAD compares: Admixed American, 0.0017%; no homozygotes.

Submission:

GeneDx
Classification: Uncertain significance. Last evaluated: 2023-12-19. Review status: criteria provided, single submitter. Criteria: GeneDx Variant Classification Process June 2021. Collection method: clinical testing. Allele origin: germline. Affected: yes.
Comment: Not observed at significant frequency in large population cohorts (gnomAD); In silico analysis supports that this variant does not alter splicing; Has not been previously published as pathogenic or benign to our knowledge